The following is an entry in ClinVar:

NM_000181.4(GUSB):c.1618G>A (p.Glu540Lys)

Genes: GUSB (glucuronidase beta; minus strand), LOC126860055 (MED14-independent group 3 enhancer GRCh37_chr7:65432190-65433389; plus strand). Cytogenetic location: 7q11.21.
Variant type: single nucleotide variant.
Coding change: c.1618G>A on transcript NM_000181.4 (MANE Select); coding-DNA position 1618, G replaced by A.
Protein change: p.Glu540Lys; replaces glutamic acid 540 with lysine.
Molecular consequence: missense variant. On other transcripts: non-coding transcript variant (1).
Genome position (GRCh38, 1-based): chr7:65,967,766, C>T on the plus strand (G>A on the coding strand, the complement: GUSB is on the minus strand). VCF-style: chr7-65967766-C-T. GRCh37 (hg19) VCF-style: chr7-65432753-C-T.
Other names: c.1180G>A, p.Glu394Lys (NM_001284290.2); c.1048G>A, p.Glu350Lys (NM_001293104.2); c.961G>A, p.Glu321Lys (NM_001293105.2); short protein forms E321K, E350K, E394K, E540K.
Identifiers: ClinVar variation 2581649 (VCV002581649.1), dbSNP rs2484764476, ClinGen allele CA367639857.

ClinVar aggregate classification (germline): Uncertain significance (1 of 4 stars; one submission).

Allele frequency attached by ClinVar (database versions not stated): gnomAD exomes below 0.00001.
gnomAD v4.1: 2 of 1,613,752 alleles (0.00012%); highest among the groups gnomAD compares: Non-Finnish European, 0.00017%; no homozygotes.

Submission:

Women's Health and Genetics/Laboratory Corporation of America, LabCorp
Classification: Uncertain significance. Last evaluated: 2023-08-11. Review status: criteria provided, single submitter. Criteria: LabCorp Variant Classification Summary - May 2015. Collection method: clinical testing. Allele origin: germline.
Comment: Variant summary: GUSB c.1618G>A (p.Glu540Lys) results in a conservative amino acid change located in the Glycoside hydrolase family 2, catalytic domain (IPR006103) of the encoded protein sequence. Four of five in-silico tools predict a damaging effect of the variant on protein function. The variant was absent in 251100 control chromosomes (gnomAD). The available data on variant occurrences in the general population are insufficient to allow any conclusion about variant significance. c.1618G>A has been reported in the literature in at least one individual affected with Mucopolysaccharidosis Type VII (Sly Syndrome) (Tomatsu_2002, Tomatsu_2009). These data do not allow any conclusion about variant significance. To our knowledge, no experimental evidence demonstrating an impact on protein function has been reported. In addition, recombinant E540A human GUS had no catalytic activity, but the E540Q GUS showed 0.3% of WT activity, supporting this residue (E540) is important to enzyme activity. The following publications have been ascertained in the context of this evaluation (PMID: 26415878, 19224584, 12403825, 10438523). No submitters have cited clinical-significance assessments for this variant to ClinVar after 2014. Based on the evidence outlined above, the variant was classified as uncertain significance.

Literature cited by the submitters: PubMed 19224584; PubMed 26415878; PubMed 12403825; PubMed 10438523.